The following is an entry in ClinVar:

ClinVar aggregate classification (germline): Uncertain significance (1 of 4 stars; one submission).

gnomAD v4.1: 19 of 1,613,948 alleles (0.0012%); highest among the groups gnomAD compares: Non-Finnish European, 0.0015%; no homozygotes.

Submission:

Mayo Clinic Laboratories, Mayo Clinic
Classification: Uncertain significance. Last evaluated: 2024-10-22. Review status: criteria provided, single submitter. Criteria: ACMG Guidelines, 2015. Collection method: clinical testing. Allele origin: germline. Observed: 1 variant allele.
Comment: PP3, PM2_supporting

NM_001376013.1(EPB41):c.2119C>T (p.Arg707Cys)

Gene: EPB41 (erythrocyte membrane protein band 4.1; plus strand). Cytogenetic location: 1p35.3.
Variant type: single nucleotide variant.
Coding change: c.2119C>T on transcript NM_001376013.1 (MANE Select); coding-DNA position 2119, C replaced by T.
Protein change: p.Arg707Cys; replaces arginine 707 with cysteine.
Molecular consequence: missense variant.
Genome position (GRCh38, 1-based): chr1:29,065,093, C>T. VCF-style: chr1-29065093-C-T. GRCh37 (hg19) VCF-style: chr1-29391605-C-T.
Other names: p.Arg707Cys; c.2119C>T, p.Arg707Cys (NM_001166005.2, NM_001376016.1, NM_001376017.1 and 1 more transcripts); c.2077C>T, p.Arg693Cys (NM_001166006.2); c.1330C>T, p.Arg444Cys (NM_001166007.2, NM_001376027.1); c.2014C>T, p.Arg672Cys (NM_001376014.1, NM_001376015.1); c.2116C>T, p.Arg706Cys (NM_001376018.1, NM_001376020.1); c.1957C>T, p.Arg653Cys (NM_001376021.1); c.1492C>T, p.Arg498Cys (NM_001376022.1, NM_001376023.1, NM_001376024.1 and 1 more transcripts); and 5 more; short protein forms R444C, R653C, R443C, R618C, R672C, R707C, R484C, R498C.
Identifiers: ClinVar variation 4540963 (VCV004540963.1).